The following is an entry in ClinVar:

NM_006180.6(NTRK2):c.815T>C (p.Val272Ala)

Gene: NTRK2 (neurotrophic receptor tyrosine kinase 2; plus strand). Cytogenetic location: 9q21.33.
Variant type: single nucleotide variant.
Coding change: c.815T>C on transcript NM_006180.6 (MANE Select); coding-DNA position 815, T replaced by C.
Protein change: p.Val272Ala; replaces valine 272 with alanine.
Molecular consequence: missense variant.
Genome position (GRCh38, 1-based): chr9:84,724,318, T>C. VCF-style: chr9-84724318-T-C. GRCh37 (hg19) VCF-style: chr9-87339233-T-C.
Other names: c.815T>C, p.Val272Ala (NM_001007097.3, NM_001018064.3, NM_001018065.2 and 18 more transcripts); c.347T>C, p.Val116Ala (NM_001369535.1, NM_001369536.1, NM_001369550.1 and 2 more transcripts); short protein forms V116A, V272A.
Identifiers: ClinVar variation 4986940 (VCV004986940.1).

ClinVar aggregate classification (germline): Uncertain significance (1 of 4 stars; one submission).

Conditions:
NTRK2-related disorder. Also called: NTRK2-related condition.

Submission:

PreventionGenetics, part of Exact Sciences
Classification: Uncertain significance for NTRK2-related condition. Last evaluated: 2025-09-03. Review status: criteria provided, single submitter. Criteria: ACMG Guidelines, 2015. Collection method: clinical testing. Allele origin: germline.
Comment: The NTRK2 c.815T>C variant is predicted to result in the amino acid substitution p.Val272Ala. To our knowledge, this variant has not been reported in the literature or in a large population database (gnomAD), indicating this variant is rare. At this time, the clinical significance of this variant is uncertain due to the absence of conclusive functional and genetic evidence.